The following is an entry in ClinVar:

ClinVar aggregate classification (germline): Uncertain significance (1 of 4 stars; one submission).

Conditions:
Supravalvar aortic stenosis (SVAS). Also called: Supravalvar aortic stenosis, Eisenberg type. Identifiers: Orphanet 3193, MedGen C0003499, MONDO:0008504, OMIM 185500, HP:0004381.

gnomAD v4.1: 3 of 1,504,764 alleles (0.0002%); highest among the groups gnomAD compares: Non-Finnish European, 0.00026%; no homozygotes.

Submission:

Labcorp Genetics (formerly Invitae), Labcorp
Classification: Uncertain significance for Supravalvar aortic stenosis. Last evaluated: 2026-01-14. Review status: criteria provided, single submitter. Criteria: Invitae Variant Classification Sherloc (09022015). Collection method: clinical testing. Allele origin: germline.
Comment: This sequence change replaces alanine, which is neutral and non-polar, with proline, which is neutral and non-polar, at codon 457 of the ELN protein (p.Ala457Pro). This variant is not present in population databases (gnomAD no frequency). This variant has not been reported in the literature in individuals affected with ELN-related conditions. Invitae Evidence Modeling of protein sequence and biophysical properties (such as structural, functional, and spatial information, amino acid conservation, physicochemical variation, residue mobility, and thermodynamic stability) indicates that this missense variant is not expected to disrupt ELN protein function with a negative predictive value of 80%. In summary, the available evidence is currently insufficient to determine the role of this variant in disease. Therefore, it has been classified as a Variant of Uncertain Significance.

NM_000501.4(ELN):c.1358-247G>C

Gene: ELN (elastin; plus strand). Cytogenetic location: 7q11.23.
Variant type: single nucleotide variant.
Coding change: c.1358-247G>C on transcript NM_000501.4 (MANE Select); 247 bases into the intron before coding-DNA position 1358, G replaced by C.
Molecular consequence: intron variant. On other transcripts: missense variant (1).
Genome position (GRCh38, 1-based): chr7:74,057,393, G>C. VCF-style: chr7-74057393-G-C. GRCh37 (hg19) VCF-style: chr7-73471723-G-C.
Other names: c.1369G>C, p.Ala457Pro (NM_001278939.2); c.1373-247G>C (NM_001081754.3); c.1372+680G>C (NM_001081753.3); c.1358-247G>C (NM_001278915.2, NM_001278912.2); c.1357+680G>C (NM_001081755.3); c.1315+680G>C (NM_001278916.2); c.1171+680G>C (NM_001278913.2); c.1342+680G>C (NM_001278914.2); and 3 more; short protein forms A457P.
Identifiers: ClinVar variation 4730667 (VCV004730667.1).